The following is an entry in ClinVar:

ClinVar aggregate classification (germline): Likely benign (0 of 4 stars; one submission).

Conditions:
SEMA3G-related disorder. Also called: SEMA3G-related condition.

gnomAD v4.1: 10 of 1,601,060 alleles (0.00062%); highest among the groups gnomAD compares: Non-Finnish European, 0.00077%; no homozygotes.

Submission:

PreventionGenetics, part of Exact Sciences
Classification: Likely benign for SEMA3G-related condition. Last evaluated: 2022-01-19. Review status: no assertion criteria provided. Collection method: clinical testing. Allele origin: germline.
Comment: This variant is classified as likely benign based on ACMG/AMP sequence variant interpretation guidelines (Richards et al. 2015 PMID: 25741868, with internal and published modifications).

NM_020163.3(SEMA3G):c.519G>A (p.Glu173=)

Gene: SEMA3G (semaphorin 3G; minus strand). Cytogenetic location: 3p21.1.
Variant type: single nucleotide variant.
Coding change: c.519G>A on transcript NM_020163.3 (MANE Select); coding-DNA position 519, G replaced by A.
Protein change: p.Glu173=; no amino-acid change (glutamic acid 173 retained).
Molecular consequence: synonymous variant.
Genome position (GRCh38, 1-based): chr3:52,441,850, C>T on the plus strand (G>A on the coding strand, the complement: SEMA3G is on the minus strand). VCF-style: chr3-52441850-C-T. GRCh37 (hg19) VCF-style: chr3-52475866-C-T.
Identifiers: ClinVar variation 3355374 (VCV003355374.1).
Genomic context (GRCh38, chr3:52,441,850, plus strand): 5'-GTTCTCACCCTGGCCTGGGCATCACCCACCTATGAAGGTGCTGGCAAAGGGACGGCTGGG[C>T]TCGTGAGGGCACCGCCCCCGGCCACTTTCCACACTGCCAGGCTCCAGGTGGAGCACATGC-3'
Protein context (NP_064548.1, residues 163-183): VESGRGRCPH[Glu173=]PSRPFASTFI